The following is an entry in ClinVar:

NM_006129.5(BMP1):c.2233+1G>T

Gene: BMP1 (bone morphogenetic protein 1; plus strand). Cytogenetic location: 8p21.3.
Variant type: single nucleotide variant.
Coding change: c.2233+1G>T on transcript NM_006129.5 (MANE Select); the canonical splice donor site of the intron after coding-DNA position 2233, G replaced by T.
Molecular consequence: splice donor variant.
Genome position (GRCh38, 1-based): chr8:22,201,929, G>T. VCF-style: chr8-22201929-G-T. GRCh37 (hg19) VCF-style: chr8-22059442-G-T.
Identifiers: ClinVar variation 2746617 (VCV002746617.3), dbSNP rs754100023, ClinGen allele CA370505514.
Genomic context (GRCh38, chr8:22,201,929, plus strand): 5'-ATGAGTGCCAATGCCGCAGTGGCTTCGTCCTCCATGACAACAAGCACGACTGCAAAGAAG[G>T]TACGGGCTGCATGCCAGGGGCATCTGGGCTTGAAGGACCTGCTGCTGGGAGTGGAAGCCC-3'

ClinVar aggregate classification (germline): Likely pathogenic (1 of 4 stars; one submission).

Submission:

Labcorp Genetics (formerly Invitae), Labcorp
Classification: Likely pathogenic. Last evaluated: 2023-07-25. Review status: criteria provided, single submitter. Criteria: Invitae Variant Classification Sherloc (09022015). Collection method: clinical testing. Allele origin: germline.
Comment: This variant has not been reported in the literature in individuals affected with BMP1-related conditions. In summary, the currently available evidence indicates that the variant is pathogenic, but additional data are needed to prove that conclusively. Therefore, this variant has been classified as Likely Pathogenic. Algorithms developed to predict the effect of sequence changes on RNA splicing suggest that this variant may disrupt the consensus splice site. This variant is not present in population databases (gnomAD no frequency). This sequence change affects a donor splice site in intron 16 of the BMP1 gene. It is expected to disrupt RNA splicing. Variants that disrupt the donor or acceptor splice site typically lead to a loss of protein function (PMID: 16199547), and loss-of-function variants in BMP1 are known to be pathogenic (PMID: 25656619, 27576954, 28257626).

Literature cited by the submitters: PubMed 16199547; PubMed 25656619; PubMed 27576954; PubMed 28257626.